The following is an entry in ClinVar:

NM_014804.3(KIAA0753):c.614G>A (p.Gly205Asp)

Gene: KIAA0753 (KIAA0753; minus strand). Cytogenetic location: 17p13.1.
Variant type: single nucleotide variant.
Coding change: c.614G>A on transcript NM_014804.3 (MANE Select); coding-DNA position 614, G replaced by A.
Protein change: p.Gly205Asp; replaces glycine 205 with aspartic acid.
Molecular consequence: missense variant. On other transcripts: 5 prime UTR variant (1), non-coding transcript variant (3).
Genome position (GRCh38, 1-based): chr17:6,628,221, C>T on the plus strand (G>A on the coding strand, the complement: KIAA0753 is on the minus strand). VCF-style: chr17-6628221-C-T. GRCh37 (hg19) VCF-style: chr17-6531541-C-T.
Other names: c.-621G>A (NM_001351225.2); short protein forms G205D.
Identifiers: ClinVar variation 1310621 (VCV001310621.7), dbSNP rs182130930, ClinGen allele CA8330740.

ClinVar aggregate classification (germline): Conflicting classifications of pathogenicity. Review status: criteria provided, conflicting classifications (1 of 4 stars). 4 submissions from 4 submitters: Uncertain significance (3); Likely benign (1). Last evaluated 2025-03-27.

Conditions:
Inborn genetic diseases. Identifiers: MedGen C0950123, MeSH D030342.

Allele frequency attached by ClinVar (database versions not stated): gnomAD exomes 0.00002 and 0.00007; ExAC 0.00010; 1000 Genomes Project 30x 0.00016; 1000 Genomes Project 0.00020; gnomAD 0.00038 and 0.00041; TOPMed 0.00038; ESP Exome Variant Server 0.00041.
gnomAD v4.1: 100 of 1,614,204 alleles (0.0062%); highest among the groups gnomAD compares: African/African-American, 0.12%; no homozygotes.

Submissions (4):

Ambry Genetics
Classification: Uncertain significance for Inborn genetic diseases. Last evaluated: 2025-03-27. Review status: criteria provided, single submitter. Criteria: Ambry Variant Classification Scheme 2023. Collection method: clinical testing. Allele origin: germline.

Blueprint Genetics
Classification: Likely benign. Last evaluated: 2024-09-15. Review status: criteria provided, single submitter. Criteria: ACMG Guidelines, 2015. Collection method: clinical testing. Allele origin: germline.

GeneDx
Classification: Uncertain significance. Last evaluated: 2024-09-15. Review status: criteria provided, single submitter. Criteria: GeneDx Variant Classification Process June 2021. Collection method: clinical testing. Allele origin: germline. Affected: yes.
Comment: Has not been previously published as pathogenic or benign to our knowledge; In silico analysis indicates that this missense variant does not alter protein structure/function

Labcorp Genetics (formerly Invitae), Labcorp
Classification: Uncertain significance. Last evaluated: 2022-07-01. Review status: criteria provided, single submitter. Criteria: Invitae Variant Classification Sherloc (09022015). Collection method: clinical testing. Allele origin: germline.
Comment: This sequence change replaces glycine, which is neutral and non-polar, with aspartic acid, which is acidic and polar, at codon 205 of the KIAA0753 protein (p.Gly205Asp). This variant is present in population databases (rs182130930, gnomAD 0.1%). This variant has not been reported in the literature in individuals affected with KIAA0753-related conditions. ClinVar contains an entry for this variant (Variation ID: 1310621). Algorithms developed to predict the effect of missense changes on protein structure and function output the following: SIFT: "Tolerated"; PolyPhen-2: "Benign"; Align-GVGD: "Class C0". The aspartic acid amino acid residue is found in multiple mammalian species, which suggests that this missense change does not adversely affect protein function. In summary, the available evidence is currently insufficient to determine the role of this variant in disease. Therefore, it has been classified as a Variant of Uncertain Significance.